The following is an entry in ClinVar:

NM_005908.4(MANBA):c.1280G>A (p.Gly427Asp)

Gene: MANBA (mannosidase beta; minus strand). Cytogenetic location: 4q24.
Variant type: single nucleotide variant.
Coding change: c.1280G>A on transcript NM_005908.4 (MANE Select); coding-DNA position 1280, G replaced by A.
Protein change: p.Gly427Asp; replaces glycine 427 with aspartic acid.
Molecular consequence: missense variant.
Genome position (GRCh38, 1-based): chr4:102,669,000, C>T on the plus strand (G>A on the coding strand, the complement: MANBA is on the minus strand). VCF-style: chr4-102669000-C-T. GRCh37 (hg19) VCF-style: chr4-103590157-C-T.
Other names: short protein forms G427D.
Identifiers: ClinVar variation 2580440 (VCV002580440.1), dbSNP rs1731360255, ClinGen allele CA357762110.

ClinVar aggregate classification (germline): Uncertain significance (1 of 4 stars; one submission).

Submission:

GeneDx
Classification: Uncertain significance. Last evaluated: 2023-03-23. Review status: criteria provided, single submitter. Criteria: GeneDx Variant Classification Process June 2021. Collection method: clinical testing. Allele origin: germline. Affected: yes.
Comment: Not observed at significant frequency in large population cohorts (gnomAD); In silico analysis supports that this missense variant does not alter protein structure/function; Has not been previously published as pathogenic or benign to our knowledge